The following is an entry in ClinVar:

NM_144687.4(NLRP12):c.2606C>T (p.Thr869Ile)

Gene: NLRP12 (NLR family pyrin domain containing 12; minus strand). Cytogenetic location: 19q13.42.
Variant type: single nucleotide variant.
Coding change: c.2606C>T on transcript NM_144687.4 (MANE Select); coding-DNA position 2606, C replaced by T.
Protein change: p.Thr869Ile; replaces threonine 869 with isoleucine.
Molecular consequence: missense variant.
Genome position (GRCh38, 1-based): chr19:53,801,377, G>A on the plus strand (C>T on the coding strand, the complement: NLRP12 is on the minus strand). VCF-style: chr19-53801377-G-A. GRCh37 (hg19) VCF-style: chr19-54304631-G-A.
Other names: c.2609C>T, p.Thr870Ile (NM_001277126.2); c.2606C>T, p.Thr869Ile (NM_001277129.1); short protein forms T869I, T870I.
Identifiers: ClinVar variation 843483 (VCV000843483.10), dbSNP rs2091868280, ClinGen allele CA407408745.

ClinVar aggregate classification (germline): Uncertain significance (1 of 4 stars; one submission).

Conditions:
Familial cold autoinflammatory syndrome 2 (FCAS2). Identifiers: Orphanet 247868, MedGen C2673198, MONDO:0012724, OMIM 611762.

Submission:

Labcorp Genetics (formerly Invitae), Labcorp
Classification: Uncertain significance for Familial cold autoinflammatory syndrome 2. Last evaluated: 2019-12-19. Review status: criteria provided, single submitter. Criteria: Invitae Variant Classification Sherloc (09022015). Collection method: clinical testing. Allele origin: germline.
Comment: This sequence change replaces threonine with isoleucine at codon 869 of the NLRP12 protein (p.Thr869Ile). The threonine residue is moderately conserved and there is a moderate physicochemical difference between threonine and isoleucine. This variant is not present in population databases (ExAC no frequency). This variant has not been reported in the literature in individuals with NLRP12-related conditions. Algorithms developed to predict the effect of missense changes on protein structure and function are either unavailable or do not agree on the potential impact of this missense change (SIFT: "Deleterious"; PolyPhen-2: "Possibly Damaging"; Align-GVGD: "Class C0"). In summary, the available evidence is currently insufficient to determine the role of this variant in disease. Therefore, it has been classified as a Variant of Uncertain Significance.